The following is an entry in ClinVar:

NM_139058.3(ARX):c.365G>A (p.Arg122His)

Genes: ARX (aristaless related homeobox; minus strand), LOC109610631 (aristaless related homeobox polyalanine expansion region; plus strand). Cytogenetic location: Xp21.3.
Variant type: single nucleotide variant.
Coding change: c.365G>A on transcript NM_139058.3 (MANE Select); coding-DNA position 365, G replaced by A.
Protein change: p.Arg122His; replaces arginine 122 with histidine.
Molecular consequence: missense variant.
Genome position (GRCh38, 1-based): chrX:25,013,630, C>T on the plus strand (G>A on the coding strand, the complement: ARX is on the minus strand). VCF-style: chrX-25013630-C-T. GRCh37 (hg19) VCF-style: chrX-25031747-C-T.
Other names: short protein forms R122H.
Identifiers: ClinVar variation 1366988 (VCV001366988.38), dbSNP rs1335963054, ClinGen allele CA412613330.

ClinVar aggregate classification (germline): Uncertain significance. Review status: criteria provided, multiple submitters, no conflicts (2 of 4 stars). 2 submissions from 2 submitters: Uncertain significance (2). Last evaluated 2024-10-22.

Conditions:
Developmental and epileptic encephalopathy, 1 (DEE1). Also called: OHTAHARA SYNDROME, X-LINKED; INFANTILE SPASM SYNDROME, X-LINKED 1; Epileptic encephalopathy, early infantile, 1; X-linked infantile spasms; West's syndrome; Tonic spasms with clustering, arrest of psychomotor development and hypsarrhythmia on EEG. Identifiers: MedGen C3463992, MONDO:0010632, OMIM 308350. Disease mechanism: loss of function.
Intellectual disability, X-linked, with or without seizures, ARX-related. Also called: MENTAL RETARDATION, X-LINKED 29; MENTAL RETARDATION, X-LINKED 32; MENTAL RETARDATION, X-LINKED 33; MENTAL RETARDATION, X-LINKED 38; MENTAL RETARDATION, X-LINKED 43; MENTAL RETARDATION, X-LINKED 76. Identifiers: Orphanet 777, MedGen C0796244, MONDO:0010317, OMIM 300419.

Allele frequency attached by ClinVar (database versions not stated): gnomAD exomes below 0.00001.
gnomAD v4.1: 4 of 755,088 alleles (0.00053%); highest among the groups gnomAD compares: Non-Finnish European, 0.00031%; no homozygotes.

Submissions (2):

Labcorp Genetics (formerly Invitae), Labcorp
Classification: Uncertain significance for Developmental and epileptic encephalopathy, 1; Intellectual disability, X-linked, with or without seizures, ARX-related. Last evaluated: 2024-10-22. Review status: criteria provided, single submitter. Criteria: Invitae Variant Classification Sherloc (09022015). Collection method: clinical testing. Allele origin: germline.
Comment: This sequence change replaces arginine, which is basic and polar, with histidine, which is basic and polar, at codon 122 of the ARX protein (p.Arg122His). The frequency data for this variant in the population databases is considered unreliable, as metrics indicate insufficient coverage at this position in the gnomAD database. This variant has not been reported in the literature in individuals affected with ARX-related conditions. ClinVar contains an entry for this variant (Variation ID: 1366988). Invitae Evidence Modeling of protein sequence and biophysical properties (such as structural, functional, and spatial information, amino acid conservation, physicochemical variation, residue mobility, and thermodynamic stability) indicates that this missense variant is not expected to disrupt ARX protein function with a negative predictive value of 95%. In summary, the available evidence is currently insufficient to determine the role of this variant in disease. Therefore, it has been classified as a Variant of Uncertain Significance.

CeGaT Center for Human Genetics Tuebingen
Classification: Uncertain significance. Last evaluated: 2022-02-01. Review status: criteria provided, single submitter. Criteria: CeGaT Center For Human Genetics Tuebingen Variant Classification Criteria Version 2. Collection method: clinical testing. Allele origin: germline. Affected: yes. Observed: 1 variant allele.